The following is an entry in ClinVar:

ClinVar aggregate classification (germline): Conflicting classifications of pathogenicity. Review status: criteria provided, conflicting classifications (1 of 4 stars). 3 submissions from 3 submitters: Uncertain significance (1); Likely benign (2). Last evaluated 2024-07-01.

Conditions:
Methylmalonic acidemia with homocystinuria, type cblX (MAHCX). Also called: INTELLECTUAL DEVELOPMENTAL DISORDER, X-LINKED 3. Identifiers: Orphanet 369962, MedGen C0796208, MONDO:0010657, OMIM 309541.

Allele frequency attached by ClinVar (database versions not stated): TOPMed 0.00005; gnomAD 0.00001; gnomAD exomes 0.00001.
gnomAD v4.1: 14 of 1,204,895 alleles (0.0012%); highest among the groups gnomAD compares: East Asian, 0.003%; no homozygotes.

Submissions (3):

CeGaT Center for Human Genetics Tuebingen
Classification: Likely benign. Last evaluated: 2024-07-01. Review status: criteria provided, single submitter. Criteria: CeGaT Center For Human Genetics Tuebingen Variant Classification Criteria Version 2. Collection method: clinical testing. Allele origin: germline. Affected: yes. Observed: 1 variant allele.
Comment: HCFC1: BS2

Labcorp Genetics (formerly Invitae), Labcorp
Classification: Likely benign for Methylmalonic acidemia with homocystinuria, type cblX. Last evaluated: 2024-02-04. Review status: criteria provided, single submitter. Criteria: Invitae Variant Classification Sherloc (09022015). Collection method: clinical testing. Allele origin: germline.

Blueprint Genetics
Classification: Uncertain significance. Last evaluated: 2020-05-05. Review status: criteria provided, single submitter. Criteria: ACMG Guidelines, 2015. Collection method: clinical testing. Allele origin: germline.

NM_005334.3(HCFC1):c.5267C>T (p.Ala1756Val)

Gene: HCFC1 (host cell factor C1; minus strand). Cytogenetic location: Xq28.
Variant type: single nucleotide variant.
Coding change: c.5267C>T on transcript NM_005334.3 (MANE Select); coding-DNA position 5267, C replaced by T.
Protein change: p.Ala1756Val; replaces alanine 1756 with valine.
Molecular consequence: missense variant.
Genome position (GRCh38, 1-based): chrX:153,951,701, G>A on the plus strand (C>T on the coding strand, the complement: HCFC1 is on the minus strand). VCF-style: chrX-153951701-G-A. GRCh37 (hg19) VCF-style: chrX-153217152-G-A.
Other names: c.5402C>T, p.Ala1801Val (NM_001410705.1); short protein forms A1756V, A1801V.
Identifiers: ClinVar variation 2737431 (VCV002737431.21), dbSNP rs1422594028, ClinGen allele CA415105596.